The following is an entry in ClinVar:

NM_001744.6(CAMK4):c.1191G>T (p.Val397=)

Gene: CAMK4 (calcium/calmodulin dependent protein kinase IV; plus strand). Cytogenetic location: 5q22.1.
Variant type: single nucleotide variant.
Coding change: c.1191G>T on transcript NM_001744.6 (MANE Select); coding-DNA position 1191, G replaced by T.
Protein change: p.Val397=; no amino-acid change (valine 397 retained).
Molecular consequence: synonymous variant.
Genome position (GRCh38, 1-based): chr5:111,484,235, G>T. VCF-style: chr5-111484235-G-T. GRCh37 (hg19) VCF-style: chr5-110819933-G-T.
Other names: c.1191G>T, p.Val397= (NM_001323374.2, NM_001323375.2); c.600G>T, p.Val200= (NM_001323376.2, NM_001323377.2).
Identifiers: ClinVar variation 3905438 (VCV003905438.10).
Genomic context (GRCh38, chr5:111,484,235, plus strand): 5'-AATTCAAGGCGATGGGGCCCAAGCCGCAGTTAAGGGGGCACAGGCTGAGCTGATGAAGGT[G>T]CAAGCCTTAGAGAAAGTTAAAGGTGCAGATATAAATGCTGAAGAGGCCCCCAAAATGGTG-3'
Protein context (NP_001735.1, residues 387-407): VKGAQAELMK[Val397=]QALEKVKGAD

ClinVar aggregate classification (germline): Likely benign (1 of 4 stars; one submission).

gnomAD v4.1: 14 of 1,614,106 alleles (0.00087%); highest among the groups gnomAD compares: Non-Finnish European, 0.0012%; no homozygotes.

Submission:

CeGaT Center for Human Genetics Tuebingen
Classification: Likely benign. Last evaluated: 2025-05-01. Review status: criteria provided, single submitter. Criteria: CeGaT Center For Human Genetics Tuebingen Variant Classification Criteria Version 2. Collection method: clinical testing. Allele origin: germline. Affected: yes. Observed: 1 variant allele.
Comment: CAMK4: BP4, BP7